The following is an entry in ClinVar:

NM_001365068.1(ASTN2):c.1812G>A (p.Pro604=)

Gene: ASTN2 (astrotactin 2; minus strand). Cytogenetic location: 9q33.1.
Variant type: single nucleotide variant.
Coding change: c.1812G>A on transcript NM_001365068.1 (MANE Select); coding-DNA position 1812, G replaced by A.
Protein change: p.Pro604=; no amino-acid change (proline 604 retained).
Molecular consequence: synonymous variant.
Genome position (GRCh38, 1-based): chr9:116,975,285, C>T on the plus strand (G>A on the coding strand, the complement: ASTN2 is on the minus strand). VCF-style: chr9-116975285-C-T. GRCh37 (hg19) VCF-style: chr9-119737564-C-T.
Other names: c.1800G>A, p.Pro600= (NM_001365069.1); c.1659G>A, p.Pro553= (NM_014010.5).
Identifiers: ClinVar variation 3039475 (VCV003039475.2), dbSNP rs773572727, ClinGen allele CA5211555.

ClinVar aggregate classification (germline): Likely benign (0 of 4 stars; one submission).

Conditions:
ASTN2-related disorder. Also called: ASTN2-related condition.

Allele frequency attached by ClinVar (database versions not stated): gnomAD 0.00001; ExAC 0.00002; gnomAD exomes 0.00001; TOPMed 0.00001.
gnomAD v4.1: 16 of 1,613,338 alleles (0.00099%); highest among the groups gnomAD compares: East Asian, 0.0022%; no homozygotes.

Submission:

PreventionGenetics, part of Exact Sciences
Classification: Likely benign for ASTN2-related condition. Last evaluated: 2019-05-24. Review status: no assertion criteria provided. Collection method: clinical testing. Allele origin: germline.
Comment: This variant is classified as likely benign based on ACMG/AMP sequence variant interpretation guidelines (Richards et al. 2015 PMID: 25741868, with internal and published modifications).